The following is an entry in ClinVar:

ClinVar aggregate classification (germline): Uncertain significance. Review status: criteria provided, multiple submitters, no conflicts (2 of 4 stars). 2 submissions from 2 submitters: Uncertain significance (2). Last evaluated 2025-07-09.

Conditions:
Hereditary cancer-predisposing syndrome. Also called: Hereditary neoplastic syndrome; Neoplastic Syndromes, Hereditary; Tumor predisposition; Hereditary Cancer Syndrome. Identifiers: Orphanet 140162, MedGen C0027672, MeSH D009386, MONDO:0015356.
Familial adenomatous polyposis 1 (FAP1). Also called: FAMILIAL ADENOMATOUS POLYPOSIS 1, ATTENUATED; POLYPOSIS, ADENOMATOUS INTESTINAL. Identifiers: MedGen C2713442, MONDO:0021056, OMIM 175100. Disease mechanism: loss of function.

Submissions (2):

Ambry Genetics
Classification: Uncertain significance for Hereditary cancer-predisposing syndrome. Last evaluated: 2025-07-09. Review status: criteria provided, single submitter. Criteria: Ambry Variant Classification Scheme 2023. Collection method: clinical testing. Allele origin: germline.
Comment: The p.R2347G variant (also known as c.7039A>G), located in coding exon 15 of the APC gene, results from an A to G substitution at nucleotide position 7039. The arginine at codon 2347 is replaced by glycine, an amino acid with dissimilar properties. This amino acid position is well conserved in available vertebrate species. In addition, in silico predictors for this gene do not accurately predict pathogenicity. Missense alterations in APC are not a common cause of disease (Spier I et al. Genet Med. 2024 Feb;26(2):100992). Based on the available evidence, the clinical significance of this variant remains unclear.

Baylor Genetics
Classification: Uncertain significance for Familial adenomatous polyposis 1. Last evaluated: 2019-08-27. Review status: criteria provided, single submitter. Criteria: ACMG Guidelines, 2015. Collection method: clinical testing. Allele origin: maternal. Affected: yes. Study: CSER-TexasKidsCanSeq.
Comment: This variant was determined to be of uncertain significance according to ACMG Guidelines, 2015 [PMID:25741868].

NM_000038.6(APC):c.7039A>G (p.Arg2347Gly)

Gene: APC (APC regulator of Wnt signaling pathway; plus strand). Cytogenetic location: 5q22.2.
Variant type: single nucleotide variant.
Coding change: c.7039A>G on transcript NM_000038.6 (MANE Select); coding-DNA position 7039, A replaced by G.
Protein change: p.Arg2347Gly; replaces arginine 2347 with glycine.
Molecular consequence: missense variant.
Genome position (GRCh38, 1-based): chr5:112,842,633, A>G. VCF-style: chr5-112842633-A-G. GRCh37 (hg19) VCF-style: chr5-112178330-A-G.
Other names: c.7039A>G, p.Arg2347Gly (NM_001127510.3, NM_001354895.2); c.6985A>G, p.Arg2329Gly (NM_001127511.3); c.7093A>G, p.Arg2365Gly (NM_001354896.2); c.7069A>G, p.Arg2357Gly (NM_001354897.2); c.6964A>G, p.Arg2322Gly (NM_001354898.2); c.6955A>G, p.Arg2319Gly (NM_001354899.2); c.6916A>G, p.Arg2306Gly (NM_001354900.2); c.6862A>G, p.Arg2288Gly (NM_001354901.2); and 5 more; short protein forms R2329G, R2347G, R2221G, R2319G, R2064G, R2288G, R2322G, R2306G.
Identifiers: ClinVar variation 186039 (VCV000186039.7), dbSNP rs786202649, ClinGen allele CA012767.